The following is an entry in ClinVar:

NM_004462.5(FDFT1):c.1098C>T (p.Ile366=)

Gene: FDFT1 (farnesyl-diphosphate farnesyltransferase 1). Cytogenetic location: 8p23.1.
Variant type: single nucleotide variant.
Coding change: c.1098C>T on transcript NM_004462.5 (MANE Select); coding-DNA position 1098, C replaced by T.
Protein change: p.Ile366=; no amino-acid change (isoleucine 366 retained).
Molecular consequence: synonymous variant.
Genome position (GRCh38, 1-based): chr8:11,838,453, C>T. VCF-style: chr8-11838453-C-T. GRCh37 (hg19) VCF-style: chr8-11695962-C-T.
Other names: c.1098C>T, p.Ile366= (NM_001287742.2, NM_001287743.2); c.906C>T, p.Ile302= (NM_001287744.2, NM_001287745.2, NM_001287747.2 and 2 more transcripts); c.1275C>T, p.Ile425= (NM_001287750.2); c.843C>T, p.Ile281= (NM_001287751.2); c.597C>T, p.Ile199= (NM_001287756.2); c.1275C>T (NM_001287750.1).
Identifiers: ClinVar variation 3388272 (VCV003388272.16).

ClinVar aggregate classification (germline): Likely benign. Review status: criteria provided, multiple submitters, no conflicts (2 of 4 stars). 3 submissions from 3 submitters: Likely benign (3). Last evaluated 2025-10-03.

Conditions:
FDFT1-related disorder. Also called: FDFT1-related condition.

gnomAD v4.1: 1,993 of 1,608,782 alleles (0.12%); highest among the groups gnomAD compares: Non-Finnish European, 0.16%; 4 homozygotes.

Submissions (3):

PreventionGenetics, part of Exact Sciences
Classification: Likely benign for FDFT1-related condition. Last evaluated: 2025-10-03. Review status: criteria provided, single submitter. Criteria: ACMG Guidelines, 2015. Collection method: clinical testing. Allele origin: germline.
Comment: This variant is classified as likely benign based on ACMG/AMP sequence variant interpretation guidelines (Richards et al. 2015 PMID: 25741868, with internal and published modifications).

Blueprint Genetics
Classification: Likely benign. Last evaluated: 2024-10-25. Review status: criteria provided, single submitter. Criteria: ACMG Guidelines, 2015. Collection method: clinical testing. Allele origin: germline.

CeGaT Center for Human Genetics Tuebingen
Classification: Likely benign. Last evaluated: 2024-09-01. Review status: criteria provided, single submitter. Criteria: CeGaT Center For Human Genetics Tuebingen Variant Classification Criteria Version 2. Collection method: clinical testing. Allele origin: germline. Affected: yes. Observed: 1 variant allele.
Comment: FDFT1: BP4, BP7